The following is an entry in ClinVar:

NM_001035.3(RYR2):c.166A>C (p.Lys56Gln)

Gene: RYR2 (ryanodine receptor 2; plus strand). Cytogenetic location: 1q43.
Variant type: single nucleotide variant.
Coding change: c.166A>C on transcript NM_001035.3 (MANE Select); coding-DNA position 166, A replaced by C.
Protein change: p.Lys56Gln; replaces lysine 56 with glutamine.
Molecular consequence: missense variant.
Genome position (GRCh38, 1-based): chr1:237,270,614, A>C. VCF-style: chr1-237270614-A-C. GRCh37 (hg19) VCF-style: chr1-237433914-A-C.
Other names: short protein forms K56Q.
Identifiers: ClinVar variation 3070197 (VCV003070197.3), dbSNP rs943466101, ClinGen allele CA39988680.
Genomic context (GRCh38, chr1:237,270,614, plus strand): 5'-TGCTTGGCAGCAGAAGGATTTGGCAACAGACTTTGTTTCTTGGAGTCCACTTCCAATTCC[A>C]AGGTGGGATGAAGTCTTTCAAGGCTATTCAAATATGCAAGTTTTACTAGTGGCATTGAAG-3'
Protein context (NP_001026.2, residues 46-66): LCFLESTSNS[Lys56Gln]NVPPDLSICT

ClinVar aggregate classification (germline): Uncertain significance. Review status: criteria provided, multiple submitters, no conflicts (2 of 4 stars). 2 submissions from 2 submitters: Uncertain significance (2). Last evaluated 2024-07-06.

Conditions:
Catecholaminergic polymorphic ventricular tachycardia (CVPT). Also called: Catecholamine-induced polymorphic ventricular tachycardia. Identifiers: Orphanet 3286, MedGen C5574922, MONDO:0017990.
Catecholaminergic polymorphic ventricular tachycardia 1. Also called: RYR2-Related Catecholaminergic Polymorphic Ventricular Tachycardia; VENTRICULAR TACHYCARDIA, STRESS-INDUCED POLYMORPHIC 1; VENTRICULAR TACHYCARDIA, CATECHOLAMINERGIC POLYMORPHIC, 1, WITH OR WITHOUT ATRIAL DYSFUNCTION AND/OR DILATED CARDIOMYOPATHY. Identifiers: Orphanet 3286, MedGen C1631597, MONDO:0011484, OMIM 604772.

gnomAD v4.1: 7 of 1,578,238 alleles (0.00044%); highest among the groups gnomAD compares: Non-Finnish European, 0.0006%; no homozygotes.

Submissions (2):

Labcorp Genetics (formerly Invitae), Labcorp
Classification: Uncertain significance for Catecholaminergic polymorphic ventricular tachycardia 1. Last evaluated: 2024-07-06. Review status: criteria provided, single submitter. Criteria: Invitae Variant Classification Sherloc (09022015). Collection method: clinical testing. Allele origin: germline.
Comment: This sequence change replaces lysine, which is basic and polar, with glutamine, which is neutral and polar, at codon 56 of the RYR2 protein (p.Lys56Gln). The frequency data for this variant in the population databases is considered unreliable, as metrics indicate poor data quality at this position in the gnomAD database. This variant has not been reported in the literature in individuals affected with RYR2-related conditions. An algorithm developed to predict the effect of missense changes on protein structure and function (PolyPhen-2) suggests that this variant is likely to be tolerated. In summary, the available evidence is currently insufficient to determine the role of this variant in disease. Therefore, it has been classified as a Variant of Uncertain Significance.

All of Us Research Program, National Institutes of Health
Classification: Uncertain significance for Catecholaminergic polymorphic ventricular tachycardia. Last evaluated: 2023-04-03. Review status: criteria provided, single submitter. Criteria: ACMG Guidelines, 2015. Collection method: clinical testing. Allele origin: germline. Inheritance: Autosomal dominant inheritance. Observed: 1 variant allele, 1 heterozygote.
Comment: This missense variant replaces lysine with glutamine at codon 56 of the RYR2 protein. Computational prediction suggests that this variant may not impact protein structure and function (internally defined REVEL score threshold <= 0.5, PMID: 27666373). To our knowledge, functional studies have not been reported for this variant. This variant has not been reported in individuals affected with RYR2-related disorders in the literature. This variant has been identified in 1/191342 chromosomes in the general population by the Genome Aggregation Database (gnomAD). The available evidence is insufficient to determine the role of this variant in disease conclusively. Therefore, this variant is classified as a Variant of Uncertain Significance.

This study involves interpretation of variants in research participants for the purpose of population health screening. Participant phenotype was not available at the time of variant classification. Additional details can be found in publication PMID: 35346344, PMCID: PMC8962531